The following is an entry in ClinVar:

ClinVar aggregate classification (germline): Pathogenic. Review status: criteria provided, multiple submitters, no conflicts (2 of 4 stars). 2 submissions from 2 submitters: Pathogenic (2). Last evaluated 2026-04-23.

Conditions:
Progressive sclerosing poliodystrophy (MTDPS4A). Also called: Mitochondrial DNA depletion syndrome 4A (Alpers type); ALPERS PROGRESSIVE INFANTILE POLIODYSTROPHY; NEURONAL DEGENERATION OF CHILDHOOD WITH LIVER DISEASE, PROGRESSIVE; Alpers Syndrome; ALPERS DIFFUSE DEGENERATION OF CEREBRAL GRAY MATTER WITH HEPATIC CIRRHOSIS; Alpers-Huttenlocher Syndrome. Identifiers: Orphanet 726, MedGen C0205710, MONDO:0008758, OMIM 203700.
POLG-related disorder. Also called: POLG-related condition; POLG-Related Disorders; POLG-Related Spectrum Disorders. Identifiers: MedGen C4763519.

Submissions (2):

Myriad Genetics, Inc.
Classification: Pathogenic for POLG-related disorder. Last evaluated: 2026-04-23. Review status: criteria provided, single submitter. Criteria: Myriad Autosomal Dominant, Autosomal Recessive and X-Linked Classification Criteria (2023). Collection method: clinical testing. Allele origin: unknown.
Comment: NM_002693.2(POLG):c.2739C>A(C913*) is expected to be pathogenic in the context of POLG-related disorders. This variant is predicted to lead to an abnormal or absent protein product due to the creation of a premature termination codon in POLG, a gene where loss-of-function variants are known to be pathogenic. Please note: this variant was assessed in the context of healthy population screening.

Labcorp Genetics (formerly Invitae), Labcorp
Classification: Pathogenic for Progressive sclerosing poliodystrophy. Last evaluated: 2025-06-27. Review status: criteria provided, single submitter. Criteria: Invitae Variant Classification Sherloc (09022015). Collection method: clinical testing. Allele origin: germline.
Comment: This sequence change creates a premature translational stop signal (p.Cys913*) in the POLG gene. It is expected to result in an absent or disrupted protein product. Loss-of-function variants in POLG are known to be pathogenic (PMID: 18546365). This variant is not present in population databases (gnomAD no frequency). This variant has not been reported in the literature in individuals affected with POLG-related conditions. For these reasons, this variant has been classified as Pathogenic.

Literature cited by the submitters: PubMed 18546365 (cited by Labcorp Genetics (formerly Invitae), Labcorp).

NM_002693.3(POLG):c.2739C>A (p.Cys913Ter)

Gene: POLG (DNA polymerase gamma, catalytic subunit; minus strand). Cytogenetic location: 15q26.1.
Variant type: single nucleotide variant.
Coding change: c.2739C>A on transcript NM_002693.3 (MANE Select); coding-DNA position 2739, C replaced by A.
Protein change: p.Cys913Ter; replaces cysteine 913 with a stop codon.
Molecular consequence: nonsense.
Genome position (GRCh38, 1-based): chr15:89,321,008, G>T on the plus strand (C>A on the coding strand, the complement: POLG is on the minus strand). VCF-style: chr15-89321008-G-T. GRCh37 (hg19) VCF-style: chr15-89864239-G-T.
Other names: c.2739C>A, p.Cys913Ter (NM_001126131.2); short protein forms C913*.
Identifiers: ClinVar variation 4722247 (VCV004722247.2).